The following is an entry in ClinVar:

ClinVar aggregate classification (germline): Likely pathogenic (1 of 4 stars; one submission).

Conditions:
Methylmalonic aciduria, cblA type (MACA). Also called: Methylmalonic aciduria, vitamin b12-responsive, due to defect in synthesis of adenosylcobalamin, cbla complementation type; MMA cbl A type; Methylmalonic acidemia cblA type; Methylmalonic aciduria, vitamin B12-responsive; Vitamin B12-responsive methylmalonic acidemia type cblA. Identifiers: Orphanet 28, Orphanet 79310, MedGen C1855109, MONDO:0009613, OMIM 251100.

Submission:

Myriad Genetics, Inc.
Classification: Likely pathogenic for Methylmalonic aciduria, cblA type. Last evaluated: 2022-03-03. Review status: criteria provided, single submitter. Criteria: Myriad Women's Health Autosomal Recessive and X-Linked Classification Criteria (2021). Collection method: clinical testing. Allele origin: unknown.
Comment: NM_172250.2(MMAA):c.523dupT(S175Ffs*12) is expected to be pathogenic in the context of methylmalonic acidemia, cblA type. This variant is predicted to lead to an abnormal or absent protein product due to the creation of a premature termination codon in MMAA, a gene where loss-of-function variants are known to be pathogenic. Please note: this variant was assessed in the context of healthy population screening.

NM_172250.3(MMAA):c.523dup (p.Ser175fs)

Gene: MMAA (metabolism of cobalamin associated A; plus strand). Cytogenetic location: 4q31.21.
Variant type: Duplication.
Coding change: c.523dup on transcript NM_172250.3 (MANE Select); coding-DNA position 523, one base duplicated (T; older notation c.523dupT).
Protein change: p.Ser175fs; shifts the reading frame from serine 175.
Molecular consequence: frameshift variant.
Genome position (GRCh38, 1-based): chr4:145,642,446, T duplicated. VCF-style (leftmost placement, unchanged base first): chr4-145642445-A-AT. GRCh37 (hg19) VCF-style: chr4-146563597-A-AT.
Other names: c.523dup, p.Ser175fs (NM_001375644.1); short protein forms S175fs.
Identifiers: ClinVar variation 1724942 (VCV001724942.2), dbSNP rs2546337523, ClinGen allele CA2580071573.